The following is an entry in ClinVar:

ClinVar aggregate classification (germline): Uncertain significance (1 of 4 stars; one submission).

gnomAD v4.1: 5 of 1,614,016 alleles (0.00031%); highest among the groups gnomAD compares: African/African-American, 0.004%; no homozygotes.

Submission:

Labcorp Genetics (formerly Invitae), Labcorp
Classification: Uncertain significance. Last evaluated: 2025-01-28. Review status: criteria provided, single submitter. Criteria: Invitae Variant Classification Sherloc (09022015). Collection method: clinical testing. Allele origin: germline.
Comment: This sequence change replaces threonine, which is neutral and polar, with alanine, which is neutral and non-polar, at codon 536 of the ACOX2 protein (p.Thr536Ala). This variant is not present in population databases (gnomAD no frequency). This variant has not been reported in the literature in individuals affected with ACOX2-related conditions. Invitae Evidence Modeling of protein sequence and biophysical properties (such as structural, functional, and spatial information, amino acid conservation, physicochemical variation, residue mobility, and thermodynamic stability) indicates that this missense variant is not expected to disrupt ACOX2 protein function with a negative predictive value of 80%. In summary, the available evidence is currently insufficient to determine the role of this variant in disease. Therefore, it has been classified as a Variant of Uncertain Significance.

NM_003500.4(ACOX2):c.1606A>G (p.Thr536Ala)

Gene: ACOX2 (acyl-CoA oxidase 2; minus strand). Cytogenetic location: 3p14.3.
Variant type: single nucleotide variant.
Coding change: c.1606A>G on transcript NM_003500.4 (MANE Select); coding-DNA position 1606, A replaced by G.
Protein change: p.Thr536Ala; replaces threonine 536 with alanine.
Molecular consequence: missense variant.
Genome position (GRCh38, 1-based): chr3:58,522,522, T>C on the plus strand (A>G on the coding strand, the complement: ACOX2 is on the minus strand). VCF-style: chr3-58522522-T-C. GRCh37 (hg19) VCF-style: chr3-58508249-T-C.
Other names: short protein forms T536A.
Identifiers: ClinVar variation 4707165 (VCV004707165.1).
Genomic context (GRCh38, chr3:58,522,522, plus strand): 5'-GGATCCCTTTCAGCTTCAGCTGGCAGGCGCTCACCTTAGCAGCCTGGAGGTGTATGACAG[T>C]GGTCTGGTTCCAAGCCTCGTGCTGGTCAGCTCCGGATTGCGTCAGGGTCTGTAAATGCTG-3'
Protein context (NP_003491.1, residues 526-546): ADQHEAWNQT[Thr536Ala]VIHLQAAKVH